The following is an entry in ClinVar:

NM_001369.3(DNAH5):c.3776del (p.Ala1259fs)

Genes: DNAH5 (dynein axonemal heavy chain 5; minus strand), DNAH5-AS1 (DNAH5 antisense RNA 1; plus strand). Cytogenetic location: 5p15.2.
Variant type: Deletion.
Coding change: c.3776del on transcript NM_001369.3 (MANE Select); coding-DNA position 3776, one base deleted (C; older notation c.3776delC).
Protein change: p.Ala1259fs; shifts the reading frame from alanine 1259.
Molecular consequence: frameshift variant.
Genome position (GRCh38, 1-based): chr5:13,870,825, G deleted on the plus strand (C on the coding strand, the reverse complement: DNAH5 is on the minus strand). VCF-style (leftmost placement, unchanged base first): chr5-13870824-CG-C. GRCh37 (hg19) VCF-style: chr5-13870933-CG-C.
Other names: short protein forms A1259fs.
Identifiers: ClinVar variation 4814885 (VCV004814885.1).
Genomic context (GRCh38, chr5:13,870,824, plus strand): 5'-TACCTCAATAGGTCCTACTTGAAAGTCAATGGAGATTTGCTCCTCCCTTATTTCTTTCAG[CG>C]CTGCCATTGCAATCCGAATATCATCTAGGTCCTTAATTGGACGATTTAGTTTCTTATTGA-3'

ClinVar aggregate classification (germline): Likely pathogenic (1 of 4 stars; one submission).

Conditions:
Primary ciliary dyskinesia. Also called: Ciliary dyskinesia. Identifiers: Orphanet 244, MedGen C0008780, MONDO:0016575, HP:0012265.

Submission:

Natera, Inc.
Classification: Likely pathogenic for Primary ciliary dyskinesia. Last evaluated: 2024-09-21. Review status: criteria provided, single submitter. Criteria: Natera Variant Classification Schema (03/2026). Collection method: clinical testing. Allele origin: germline.
Comment: The c.3776del variant in DNAH5 is a frameshift variant predicted to shift the reading frame beginning at codon 1259 and leads to a stop codon 2 codons downstream. This variant is expected to result in nonsense mediated decay, truncation, or a dysfunctional protein product. This variant is rare in the general population with a frequency below the threshold expected for the associated phenotype(s). Given the available evidence, this variant is classified as Likely Pathogenic.